The following is an entry in ClinVar:

ClinVar aggregate classification (germline): Uncertain significance. Review status: criteria provided, multiple submitters, no conflicts (2 of 4 stars). 2 submissions from 2 submitters: Uncertain significance (2). Last evaluated 2025-05-18.

Conditions:
Familial melanoma. Also called: Hereditary melanoma; Hereditary cutaneous melanoma. Identifiers: Orphanet 618, MedGen C1512419, MONDO:0018961.
Hereditary cancer-predisposing syndrome. Also called: Neoplastic Syndromes, Hereditary; Tumor predisposition; Hereditary Cancer Syndrome; Hereditary neoplastic syndrome. Identifiers: Orphanet 140162, MedGen C0027672, MeSH D009386, MONDO:0015356.

Allele frequency attached by ClinVar (database versions not stated): gnomAD 0.00002.
gnomAD v4.1: 6 of 1,612,674 alleles (0.00037%); no homozygotes.

Submissions (2):

Labcorp Genetics (formerly Invitae), Labcorp
Classification: Uncertain significance for Familial melanoma. Last evaluated: 2025-05-18. Review status: criteria provided, single submitter. Criteria: Invitae Variant Classification Sherloc (09022015). Collection method: clinical testing. Allele origin: germline.
Comment: This sequence change replaces glutamic acid, which is acidic and polar, with glycine, which is neutral and non-polar, at codon 299 of the CDK4 protein (p.Glu299Gly). This variant is present in population databases (rs771234928, gnomAD 0.02%). This variant has not been reported in the literature in individuals affected with CDK4-related conditions. ClinVar contains an entry for this variant (Variation ID: 485491). Invitae Evidence Modeling of protein sequence and biophysical properties (such as structural, functional, and spatial information, amino acid conservation, physicochemical variation, residue mobility, and thermodynamic stability) indicates that this missense variant is not expected to disrupt CDK4 protein function with a negative predictive value of 95%. In summary, the available evidence is currently insufficient to determine the role of this variant in disease. Therefore, it has been classified as a Variant of Uncertain Significance.

Ambry Genetics
Classification: Uncertain significance for Hereditary cancer-predisposing syndrome. Last evaluated: 2025-01-14. Review status: criteria provided, single submitter. Criteria: Ambry Variant Classification Scheme 2023. Collection method: clinical testing. Allele origin: germline.
Comment: The p.E299G variant (also known as c.896A>G), located in coding exon 7 of the CDK4 gene, results from an A to G substitution at nucleotide position 896. The glutamic acid at codon 299 is replaced by glycine, an amino acid with similar properties. This amino acid position is well conserved in available vertebrate species. In addition, this alteration is predicted to be tolerated by in silico analysis. Since supporting evidence is limited at this time, the clinical significance of this alteration remains unclear.

NM_000075.4(CDK4):c.896A>G (p.Glu299Gly)

Genes: TSPAN31 (tetraspanin 31; plus strand), CDK4 (cyclin dependent kinase 4; minus strand). Cytogenetic location: 12q14.1.
Variant type: single nucleotide variant.
Coding change: c.896A>G on transcript NM_000075.4 (MANE Select); coding-DNA position 896, A replaced by G.
Protein change: p.Glu299Gly; replaces glutamic acid 299 with glycine.
Molecular consequence: missense variant. On other transcripts: 3 prime UTR variant (3).
Genome position (GRCh38, 1-based): chr12:57,748,541, T>C on the plus strand (A>G on the coding strand, the complement: CDK4 is on the minus strand). VCF-style: chr12-57748541-T-C. GRCh37 (hg19) VCF-style: chr12-58142324-T-C.
Other names: c.*1251T>C (NM_001330168.2, NM_001330169.2, NM_005981.5); short protein forms E299G.
Identifiers: ClinVar variation 485491 (VCV000485491.9), dbSNP rs771234928, ClinGen allele CA6657621.